The following is an entry in ClinVar:

NM_000059.4(BRCA2):c.629T>C (p.Ile210Thr)

Gene: BRCA2 (BRCA2 DNA repair associated; plus strand). Cytogenetic location: 13q13.1.
Variant type: single nucleotide variant.
Coding change: c.629T>C on transcript NM_000059.4 (MANE Select); coding-DNA position 629, T replaced by C.
Protein change: p.Ile210Thr; replaces isoleucine 210 with threonine.
Molecular consequence: missense variant.
Genome position (GRCh38, 1-based): chr13:32,326,611, T>C. VCF-style: chr13-32326611-T-C. GRCh37 (hg19) VCF-style: chr13-32900748-T-C.
Other names: short protein forms I210T.
Identifiers: ClinVar variation 483003 (VCV000483003.14), dbSNP rs1422678843, ClinGen allele CA387758440.

ClinVar aggregate classification (germline): Uncertain significance. Review status: criteria provided, multiple submitters, no conflicts (2 of 4 stars). 3 submissions from 3 submitters: Uncertain significance (3). Last evaluated 2025-09-06.

Conditions:
Hereditary breast ovarian cancer syndrome. Also called: Hereditary breast and ovarian cancer syndrome; Hereditary breast and ovarian cancer; Hereditary breast and ovarian cancer syndrome (HBOC); Breast and ovarian cancer; Hereditary breast and/or ovarian cancer syndrome; BRCA1- and BRCA2-Associated Hereditary Breast and Ovarian Cancer. Identifiers: Orphanet 145, MedGen C0677776, MeSH D061325, MONDO:0003582. Disease mechanism: loss of function.
Hereditary cancer-predisposing syndrome. Also called: Neoplastic Syndromes, Hereditary; Tumor predisposition; Hereditary Cancer Syndrome; Hereditary neoplastic syndrome. Identifiers: Orphanet 140162, MedGen C0027672, MeSH D009386, MONDO:0015356.

Submissions (3):

Labcorp Genetics (formerly Invitae), Labcorp
Classification: Uncertain significance for Hereditary breast ovarian cancer syndrome. Last evaluated: 2025-09-06. Review status: criteria provided, single submitter. Criteria: Invitae Variant Classification Sherloc (09022015). Collection method: clinical testing. Allele origin: germline.
Comment: This sequence change replaces isoleucine, which is neutral and non-polar, with threonine, which is neutral and polar, at codon 210 of the BRCA2 protein (p.Ile210Thr). This variant is not present in population databases (gnomAD no frequency). This variant has not been reported in the literature in individuals affected with BRCA2-related conditions. ClinVar contains an entry for this variant (Variation ID: 483003). An algorithm developed to predict the effect of missense changes on protein structure and function (PolyPhen-2) suggests that this variant is likely to be disruptive. In summary, the available evidence is currently insufficient to determine the role of this variant in disease. Therefore, it has been classified as a Variant of Uncertain Significance.

Quest Diagnostics Nichols Institute San Juan Capistrano
Classification: Uncertain significance. Last evaluated: 2018-08-17. Review status: criteria provided, single submitter. Criteria: Quest Diagnostics criteria. Collection method: clinical testing. Allele origin: germline.

Ambry Genetics
Classification: Uncertain significance for Hereditary cancer-predisposing syndrome. Last evaluated: 2016-02-12. Review status: criteria provided, single submitter. Criteria: Ambry Variant Classification Scheme 2023. Collection method: clinical testing. Allele origin: germline.
Comment: The p.I210T variant (also known as c.629T>C), located in coding exon 6 of the BRCA2 gene, results from a T to C substitution at nucleotide position 629. The isoleucine at codon 210 is replaced by threonine, an amino acid with similar properties. This variant was not reported in population based cohorts in the following databases: Database of Single Nucleotide Polymorphisms (dbSNP), NHLBI Exome Sequencing Project (ESP), and 1000 Genomes Project. In the ESP, this variant was not observed in 6503 samples (13006 alleles) with coverage at this position. To date, this alteration has been detected with an allele frequency of approximately 0.004% (greater than 225000 alleles tested) in our clinical cohort. This amino acid position is well conserved in available vertebrate species. In addition, the in silico prediction for this alteration is inconclusive. Since supporting evidence is limited at this time, the clinical significance of this alteration remains unclear.